The following is an entry in ClinVar:

NM_001370658.1(BTD):c.466A>G (p.Lys156Glu)

Gene: BTD (biotinidase; plus strand). Cytogenetic location: 3p25.1.
Variant type: single nucleotide variant.
Coding change: c.466A>G on transcript NM_001370658.1 (MANE Select); coding-DNA position 466, A replaced by G.
Protein change: p.Lys156Glu; replaces lysine 156 with glutamic acid.
Molecular consequence: missense variant. On other transcripts: intron variant (6).
Genome position (GRCh38, 1-based): chr3:15,644,382, A>G. VCF-style: chr3-15644382-A-G. GRCh37 (hg19) VCF-style: chr3-15685889-A-G.
Other names: c.466A>G, p.Lys156Glu (NM_001407370.1, NM_001407371.1, NM_001407372.1 and 18 more transcripts); c.399+2325A>G (NM_001370753.1, NM_001407400.1, NM_001407401.1 and 3 more transcripts); short protein forms K156E.
Identifiers: ClinVar variation 4701450 (VCV004701450.1).

ClinVar aggregate classification (germline): Likely pathogenic (1 of 4 stars; one submission).

Conditions:
Biotinidase deficiency. Also called: BTD deficiency; Late-onset biotin-responsive multiple carboxylase deficiency; Biotin deficiency. Identifiers: Orphanet 79241, MedGen C0220754, MONDO:0009665, OMIM 253260.

gnomAD v4.1: 2 of 1,614,122 alleles (0.00012%); highest among the groups gnomAD compares: East Asian, 0.0022%; no homozygotes.

Submission:

Labcorp Genetics (formerly Invitae), Labcorp
Classification: Likely pathogenic for Biotinidase deficiency. Last evaluated: 2025-12-02. Review status: criteria provided, single submitter. Criteria: Invitae Variant Classification Sherloc (09022015). Collection method: clinical testing. Allele origin: germline.
Comment: This sequence change replaces lysine, which is basic and polar, with glutamic acid, which is acidic and polar, at codon 176 of the BTD protein (p.Lys176Glu). This variant is not present in population databases (gnomAD no frequency). This variant has not been reported in the literature in individuals affected with BTD-related conditions. Invitae Evidence Modeling of protein sequence and biophysical properties (such as structural, functional, and spatial information, amino acid conservation, physicochemical variation, residue mobility, and thermodynamic stability) indicates that this missense variant is expected to disrupt BTD protein function with a positive predictive value of 95%. This variant disrupts the p.Lys176 amino acid residue in BTD. Other variant(s) that disrupt this residue have been determined to be pathogenic (PMID: 10400129, 22698809). This suggests that this residue is clinically significant, and that variants that disrupt this residue are likely to be disease-causing. In summary, the currently available evidence indicates that the variant is pathogenic, but additional data are needed to prove that conclusively. Therefore, this variant has been classified as Likely Pathogenic.

Literature cited by the submitters: PubMed 10400129; PubMed 22698809.